The following is an entry in ClinVar:

ClinVar aggregate classification (germline): Conflicting classifications of pathogenicity. Review status: criteria provided, conflicting classifications (1 of 4 stars). 3 submissions from 3 submitters: Uncertain significance (1); Likely benign (1). 1 of the submissions does not count toward it. Last evaluated 2025-10-06.

Conditions:
SERPINA3-related disorder. Also called: SERPINA3-related condition.

Allele frequency attached by ClinVar (database versions not stated): ESP Exome Variant Server 0.00031; ExAC 0.00044.
gnomAD v4.1: 467 of 1,613,914 alleles (0.029%); highest among the groups gnomAD compares: South Asian, 0.18%; 2 homozygotes.

Submissions (3):

Ambry Genetics
Classification: Uncertain significance. Last evaluated: 2025-10-06. Review status: criteria provided, single submitter. Criteria: Ambry Variant Classification Scheme 2023. Collection method: clinical testing. Allele origin: germline.

CeGaT Center for Human Genetics Tuebingen
Classification: Likely benign. Last evaluated: 2023-10-01. Review status: criteria provided, single submitter. Criteria: CeGaT Center For Human Genetics Tuebingen Variant Classification Criteria Version 2. Collection method: clinical testing. Allele origin: germline. Affected: yes. Observed: 1 variant allele.
Comment: SERPINA3: BP4

PreventionGenetics, part of Exact Sciences
Classification: Likely benign for SERPINA3-related condition. Last evaluated: 2022-12-01. Review status: no assertion criteria provided. Collection method: clinical testing. Allele origin: germline. Not counted in ClinVar's aggregate classification.
Comment: This variant is classified as likely benign based on ACMG/AMP sequence variant interpretation guidelines (Richards et al. 2015 PMID: 25741868, with internal and published modifications).

NM_001085.5(SERPINA3):c.73C>T (p.Pro25Ser)

Gene: SERPINA3 (serpin family A member 3; plus strand). Cytogenetic location: 14q32.13.
Variant type: single nucleotide variant.
Coding change: c.73C>T on transcript NM_001085.5 (MANE Select); coding-DNA position 73, C replaced by T.
Protein change: p.Pro25Ser; replaces proline 25 with serine.
Molecular consequence: missense variant.
Genome position (GRCh38, 1-based): chr14:94,614,514, C>T. VCF-style: chr14-94614514-C-T. GRCh37 (hg19) VCF-style: chr14-95080851-C-T.
Other names: c.73C>T (NM_001085.4); c.73C>T, p.Pro25Ser (NM_001384672.1, NM_001384673.1, NM_001384674.1); short protein forms P25S.
Identifiers: ClinVar variation 2644481 (VCV002644481.25), dbSNP rs144060757, ClinGen allele CA7329661.